The following is an entry in ClinVar:

ClinVar aggregate classification (germline): Uncertain significance (1 of 4 stars; one submission).

Allele frequency attached by ClinVar (database versions not stated): ESP Exome Variant Server 0.00008; ExAC 0.00009; gnomAD 0.00011; 1000 Genomes Project 30x 0.00047; 1000 Genomes Project 0.00060.
gnomAD v4.1: 255 of 1,613,838 alleles (0.016%); highest among the groups gnomAD compares: Non-Finnish European, 0.02%; no homozygotes.

Submission:

Labcorp Genetics (formerly Invitae), Labcorp
Classification: Uncertain significance. Last evaluated: 2025-04-28. Review status: criteria provided, single submitter. Criteria: Invitae Variant Classification Sherloc (09022015). Collection method: clinical testing. Allele origin: germline.
Comment: This sequence change replaces arginine, which is basic and polar, with glutamine, which is neutral and polar, at codon 1615 of the KIAA0556 protein (p.Arg1615Gln). This variant is present in population databases (rs200717139, gnomAD 0.02%). This variant has not been reported in the literature in individuals affected with KIAA0556-related conditions. ClinVar contains an entry for this variant (Variation ID: 1982957). An algorithm developed to predict the effect of missense changes on protein structure and function (PolyPhen-2) suggests that this variant is likely to be disruptive. In summary, the available evidence is currently insufficient to determine the role of this variant in disease. Therefore, it has been classified as a Variant of Uncertain Significance.

NM_015202.5(KATNIP):c.4844G>A (p.Arg1615Gln)

Gene: KATNIP (katanin interacting protein; plus strand). Cytogenetic location: 16p12.1.
Variant type: single nucleotide variant.
Coding change: c.4844G>A on transcript NM_015202.5 (MANE Select); coding-DNA position 4844, G replaced by A.
Protein change: p.Arg1615Gln; replaces arginine 1615 with glutamine.
Molecular consequence: missense variant.
Genome position (GRCh38, 1-based): chr16:27,778,616, G>A. VCF-style: chr16-27778616-G-A. GRCh37 (hg19) VCF-style: chr16-27789937-G-A.
Other names: short protein forms R1615Q.
Identifiers: ClinVar variation 1982957 (VCV001982957.3), dbSNP rs200717139, ClinGen allele CA7978809.